The following is an entry in ClinVar:

NM_152564.5(VPS13B):c.10524G>A (p.Val3508=)

Gene: VPS13B (vacuolar protein sorting 13 homolog B; plus strand). Cytogenetic location: 8q22.2.
Variant type: single nucleotide variant.
Coding change: c.10524G>A on transcript NM_152564.5 (MANE Select); coding-DNA position 10524, G replaced by A.
Protein change: p.Val3508=; no amino-acid change (valine 3508 retained).
Molecular consequence: synonymous variant.
Genome position (GRCh38, 1-based): chr8:99,853,913, G>A. VCF-style: chr8-99853913-G-A. GRCh37 (hg19) VCF-style: chr8-100866141-G-A.
Other names: c.10599G>A, p.Val3533= (NM_017890.5).
Identifiers: ClinVar variation 3348255 (VCV003348255.1).

ClinVar aggregate classification (germline): Likely benign (0 of 4 stars; one submission).

Conditions:
VPS13B-related disorder. Also called: VPS13B-related condition.

gnomAD v4.1: 2 of 1,614,088 alleles (0.00012%); highest among the groups gnomAD compares: African/African-American, 0.0027%; no homozygotes.

Submission:

PreventionGenetics, part of Exact Sciences
Classification: Likely benign for VPS13B-related condition. Last evaluated: 2023-08-23. Review status: no assertion criteria provided. Collection method: clinical testing. Allele origin: germline.
Comment: This variant is classified as likely benign based on ACMG/AMP sequence variant interpretation guidelines (Richards et al. 2015 PMID: 25741868, with internal and published modifications).